The following is an entry in ClinVar:

ClinVar aggregate classification (germline): Uncertain significance (1 of 4 stars; one submission).

Submission:

GeneDx
Classification: Uncertain significance. Last evaluated: 2024-03-11. Review status: criteria provided, single submitter. Criteria: GeneDx Variant Classification Process June 2021. Collection method: clinical testing. Allele origin: germline. Affected: yes.
Comment: Frameshift variant predicted to result in protein truncation or nonsense mediated decay in a gene or region of a gene for which loss of function is not a well-established mechanism of disease; Has not been previously published as pathogenic or benign to our knowledge

NM_005689.4(ABCB6):c.953del (p.Gly318fs)

Gene: ABCB6 (ATP binding cassette subfamily B member 6 (LAN blood group); minus strand). Cytogenetic location: 2q35.
Variant type: Deletion.
Coding change: c.953del on transcript NM_005689.4 (MANE Select); coding-DNA position 953, one base deleted (G; older notation c.953delG).
Protein change: p.Gly318fs; shifts the reading frame from glycine 318.
Molecular consequence: frameshift variant.
Genome position (GRCh38, 1-based): chr2:219,216,381, C deleted on the plus strand (G on the coding strand, the reverse complement: ABCB6 is on the minus strand); the first of 6 consecutive C bases (chr2:219,216,381-219,216,386); deleting any one gives the same sequence. VCF-style (leftmost placement, unchanged base first): chr2-219216380-AC-A. GRCh37 (hg19) VCF-style: chr2-220081102-AC-A.
Other names: c.815del, p.Gly272fs (NM_001349828.2); short protein forms G272fs, G318fs.
Identifiers: ClinVar variation 3370873 (VCV003370873.1).